The following is an entry in ClinVar:

ClinVar aggregate classification (germline): Conflicting classifications of pathogenicity. Review status: criteria provided, conflicting classifications (1 of 4 stars). 2 submissions from 2 submitters: Likely pathogenic (1); Uncertain significance (1). Last evaluated 2023-09-10.

Conditions:
Retinitis pigmentosa 73 (RP73). Identifiers: Orphanet 791, MedGen C4225287, MONDO:0014687, OMIM 616544.
Mucopolysaccharidosis, MPS-III-C (MPS3C). Also called: SANFILIPPO SYNDROME C; mucopolysaccharidosis type 3C; Mucopolysaccharidosis type IIIC (Sanfilippo C); MPS IIIC (Sanfilippo Syndrome Type C); MUCOPOLYSACCHARIDOSIS, TYPE IIIC; MPS III C. Identifiers: Orphanet 581, Orphanet 79271, MedGen C0086649, MONDO:0009657, OMIM 252930.

Allele frequency attached by ClinVar (database versions not stated): gnomAD exomes below 0.00001.
gnomAD v4.1: 1 of 1,229,780 alleles (0.000081%); highest among the groups gnomAD compares: Non-Finnish European, 0.0001%; no homozygotes.

Submissions (2):

Labcorp Genetics (formerly Invitae), Labcorp
Classification: Likely pathogenic for Retinitis pigmentosa 73; Mucopolysaccharidosis, MPS-III-C. Last evaluated: 2023-09-10. Review status: criteria provided, single submitter. Criteria: Invitae Variant Classification Sherloc (09022015). Collection method: clinical testing. Allele origin: germline.
Comment: In summary, the currently available evidence indicates that the variant is pathogenic, but additional data are needed to prove that conclusively. Therefore, this variant has been classified as Likely Pathogenic. Variants that disrupt the consensus splice site are a relatively common cause of aberrant splicing (PMID: 17576681, 9536098). Algorithms developed to predict the effect of sequence changes on RNA splicing suggest that this variant is not likely to affect RNA splicing. ClinVar contains an entry for this variant (Variation ID: 866001). This sequence change falls in intron 1 of the HGSNAT gene. It does not directly change the encoded amino acid sequence of the HGSNAT protein. It affects a nucleotide within the consensus splice site. This variant is present in population databases (no rsID available, gnomAD 0.01%). This variant has been observed in individual(s) with HGSNAT-related conditions (Invitae). In at least one individual the data is consistent with being in trans (on the opposite chromosome) from a pathogenic variant. It has also been observed to segregate with disease in related individuals.

Blueprint Genetics
Classification: Uncertain significance. Last evaluated: 2019-08-09. Review status: criteria provided, single submitter. Criteria: ACMG Guidelines, 2015. Collection method: clinical testing. Allele origin: germline.

Literature cited by the submitters: PubMed 17576681 (cited by Labcorp Genetics (formerly Invitae), Labcorp); PubMed 9536098 (cited by Labcorp Genetics (formerly Invitae), Labcorp).

NM_152419.3(HGSNAT):c.118+5G>A

Genes: HGSNAT (heparan-alpha-glucosaminide N-acetyltransferase; plus strand), LOC130000316 (ATAC-STARR-seq lymphoblastoid silent region 19164; plus strand). Cytogenetic location: 8p11.21.
Variant type: single nucleotide variant.
Coding change: c.118+5G>A on transcript NM_152419.3 (MANE Select); 5 bases into the intron after coding-DNA position 118, G replaced by A.
Molecular consequence: intron variant.
Genome position (GRCh38, 1-based): chr8:43,140,619, G>A. VCF-style: chr8-43140619-G-A. GRCh37 (hg19) VCF-style: chr8-42995762-G-A.
Other names: c.118+5G>A (NM_001363227.2, NM_001363228.2); c.-716+5G>A (NM_001363229.2).
Identifiers: ClinVar variation 866001 (VCV000866001.7), dbSNP rs1174944521, ClinGen allele CA581633298.